The following is an entry in ClinVar:

NM_003289.4(TPM2):c.773-9_773-8insCG

Gene: TPM2 (tropomyosin 2; minus strand). Cytogenetic location: 9p13.3.
Variant type: Insertion.
Coding change: c.773-9_773-8insCG on transcript NM_003289.4 (MANE Select); 9 bases into the intron before coding-DNA position 773 through 8 bases into the intron before coding-DNA position 773, CG inserted.
Molecular consequence: intron variant.
Genome position: GRCh38 VCF-style: chr9-35683249-G-GGC. GRCh37 (hg19) VCF-style: chr9-35683246-G-GGC.
Other names: c.772+996_772+997insCG (NM_213674.1, NM_001301226.2); c.773-9_773-8insCG (NM_001301227.2).
Identifiers: ClinVar variation 3030488 (VCV003030488.2), dbSNP rs1554658503, ClinGen allele CA2740095466.

ClinVar aggregate classification (germline): Likely benign (0 of 4 stars; one submission).

Conditions:
TPM2-related disorder. Also called: TPM2-related condition; TPM2-related disorders.

Submission:

PreventionGenetics, part of Exact Sciences
Classification: Likely benign for TPM2-related condition. Last evaluated: 2020-12-15. Review status: no assertion criteria provided. Collection method: clinical testing. Allele origin: germline.
Comment: This variant is classified as likely benign based on ACMG/AMP sequence variant interpretation guidelines (Richards et al. 2015 PMID: 25741868, with internal and published modifications).